The following is an entry in ClinVar:

ClinVar aggregate classification (germline): Uncertain significance (1 of 4 stars; one submission).

Allele frequency attached by ClinVar (database versions not stated): TOPMed below 0.00001; gnomAD 0.00001.
gnomAD v4.1: 1 of 1,612,872 alleles (0.000062%); highest among the groups gnomAD compares: African/African-American, 0.0013%; no homozygotes.

Submission:

GeneDx
Classification: Uncertain significance. Last evaluated: 2022-12-16. Review status: criteria provided, single submitter. Criteria: GeneDx Variant Classification Process June 2021. Collection method: clinical testing. Allele origin: germline. Affected: yes.
Comment: Not observed at significant frequency in large population cohorts (gnomAD); In silico analysis supports that this missense variant does not alter protein structure/function; Has not been previously published as pathogenic or benign to our knowledge

NM_001136035.4(TRMT1):c.1903G>A (p.Ala635Thr)

Gene: TRMT1 (tRNA methyltransferase 1; minus strand). Cytogenetic location: 19p13.13.
Variant type: single nucleotide variant.
Coding change: c.1903G>A on transcript NM_001136035.4 (MANE Select); coding-DNA position 1903, G replaced by A.
Protein change: p.Ala635Thr; replaces alanine 635 with threonine.
Molecular consequence: missense variant.
Genome position (GRCh38, 1-based): chr19:13,105,012, C>T on the plus strand (G>A on the coding strand, the complement: TRMT1 is on the minus strand). VCF-style: chr19-13105012-C-T. GRCh37 (hg19) VCF-style: chr19-13215826-C-T.
Other names: c.1816G>A, p.Ala606Thr (NM_001142554.3, NM_001351760.2); c.1795G>A, p.Ala599Thr (NM_001351761.2); c.1120G>A, p.Ala374Thr (NM_001351762.2); c.1903G>A, p.Ala635Thr (NM_017722.5); short protein forms A374T, A599T, A606T, A635T.
Identifiers: ClinVar variation 2505869 (VCV002505869.1), dbSNP rs1268591790, ClinGen allele CA404304916.
Genomic context (GRCh38, chr19:13,105,012, plus strand): 5'-CAGCGGCAGCCCCAGGTCCAGGGGGGGTCTGGTTGGAGGTCTCTGGACAGTCAGGGGCAG[C>T]ATCAGCAGAAACCCTGGGTGTCGGGGGGCTGTGGGAGTAGCAGCACTGGTCCCCGCGTTG-3'
Protein context (NP_001129507.1, residues 625-645): SPPTPRVSAD[Ala635Thr]APDCPETSNQ